The following is an entry in ClinVar:

ClinVar aggregate classification (germline): Uncertain significance (1 of 4 stars; one submission).

Conditions:
Capillary malformation-arteriovenous malformation syndrome. Also called: Capillary malformation-arteriovenous malformation. Identifiers: Orphanet 137667, MedGen C1842180, MONDO:0012016.

Allele frequency attached by ClinVar (database versions not stated): gnomAD exomes below 0.00001.

Submission:

Labcorp Genetics (formerly Invitae), Labcorp
Classification: Uncertain significance for Capillary malformation-arteriovenous malformation syndrome. Last evaluated: 2024-03-16. Review status: criteria provided, single submitter. Criteria: Invitae Variant Classification Sherloc (09022015). Collection method: clinical testing. Allele origin: germline.
Comment: This sequence change replaces alanine, which is neutral and non-polar, with valine, which is neutral and non-polar, at codon 100 of the RASA1 protein (p.Ala100Val). The frequency data for this variant in the population databases is considered unreliable, as metrics indicate poor data quality at this position in the gnomAD database. This variant has not been reported in the literature in individuals affected with RASA1-related conditions. An algorithm developed to predict the effect of missense changes on protein structure and function (PolyPhen-2) suggests that this variant is likely to be disruptive. In summary, the available evidence is currently insufficient to determine the role of this variant in disease. Therefore, it has been classified as a Variant of Uncertain Significance.

NM_002890.3(RASA1):c.299C>T (p.Ala100Val)

Gene: RASA1 (RAS p21 protein activator 1; plus strand). Cytogenetic location: 5q14.3.
Variant type: single nucleotide variant.
Coding change: c.299C>T on transcript NM_002890.3 (MANE Select); coding-DNA position 299, C replaced by T.
Protein change: p.Ala100Val; replaces alanine 100 with valine.
Molecular consequence: missense variant.
Genome position (GRCh38, 1-based): chr5:87,268,750, C>T. VCF-style: chr5-87268750-C-T. GRCh37 (hg19) VCF-style: chr5-86564567-C-T.
Other names: short protein forms A100V.
Identifiers: ClinVar variation 2751619 (VCV002751619.3), dbSNP rs1561244788, ClinGen allele CA360417129.